The following is an entry in ClinVar:

NM_003072.5(SMARCA4):c.4878G>A (p.Val1626=)

Gene: SMARCA4 (SWI/SNF related BAF chromatin remodeling complex subunit ATPase 4; plus strand). Cytogenetic location: 19p13.2.
Variant type: single nucleotide variant.
Coding change: c.4878G>A on transcript NM_003072.5 (MANE Select); coding-DNA position 4878, G replaced by A.
Protein change: p.Val1626=; no amino-acid change (valine 1626 retained).
Molecular consequence: synonymous variant. On other transcripts: non-coding transcript variant (1).
Genome position (GRCh38, 1-based): chr19:11,060,154, G>A. VCF-style: chr19-11060154-G-A. GRCh37 (hg19) VCF-style: chr19-11170830-G-A.
Other names: c.4878G>A, p.Val1626= (NM_001128844.3); c.4788G>A, p.Val1596= (NM_001128845.2); c.4785G>A, p.Val1595= (NM_001128846.2); c.4779G>A, p.Val1593= (NM_001128847.4, NM_001374457.1); c.4776G>A, p.Val1592= (NM_001128848.2); c.4974G>A, p.Val1658= (NM_001128849.3, NM_001387283.1); c.4875G>A, p.Val1625= (NM_001411150.1).
Identifiers: ClinVar variation 3166281 (VCV003166281.1), dbSNP rs2147126408, ClinGen allele CA505495507.
Genomic context (GRCh38, chr19:11,060,154, plus strand): 5'-GGACCGGCTGAAGGGCGGCCGGCGGCGGCCGAGCCGAGGGTCCCGAGCCAAGCCGGTCGT[G>A]AGTGACGATGACAGTGAGGAGGAACAAGAGGAGGTGAGGCCGGGCCCCCGAGCAGGCAGA-3'
Protein context (NP_003063.2, residues 1616-1636): PSRGSRAKPV[Val1626=]SDDDSEEEQE

ClinVar aggregate classification (germline): Uncertain significance (1 of 4 stars; one submission).

Conditions:
Hereditary cancer-predisposing syndrome. Also called: Neoplastic Syndromes, Hereditary; Tumor predisposition; Hereditary neoplastic syndrome; Hereditary Cancer Syndrome. Identifiers: Orphanet 140162, MedGen C0027672, MeSH D009386, MONDO:0015356.

Submission:

Ambry Genetics
Classification: Uncertain significance for Hereditary cancer-predisposing syndrome. Last evaluated: 2021-08-03. Review status: criteria provided, single submitter. Criteria: Ambry Variant Classification Scheme 2023. Collection method: clinical testing. Allele origin: germline.
Comment: The c.4974G>A (p.V1658V) alteration is located in exon 35 (coding exon 34) of the SMARCA4 gene. This alteration consists of a G to A substitution at nucleotide position 4974. This nucleotide substitution does not change the amino acid at codon 1658. However, this change occurs in the last nucleotide of Exon 35 (c.4865_5007) which makes it likely to have some effect on normal mRNA splicing. Based on insufficient or conflicting evidence, the clinical significance of this alteration remains unclear.